The following is an entry in ClinVar:

ClinVar aggregate classification (germline): Likely pathogenic (1 of 4 stars; one submission).

Conditions:
Epilepsy, X-linked 1, with variable learning disabilities and behavior disorders. Also called: X-linked epilepsy-learning disabilities-behavior disorders syndrome. Identifiers: Orphanet 85294, MedGen C5774177, MONDO:0010339, OMIM 300491.

Submission:

Labcorp Genetics (formerly Invitae), Labcorp
Classification: Likely pathogenic for Epilepsy, X-linked 1, with variable learning disabilities and behavior disorders. Last evaluated: 2022-11-24. Review status: criteria provided, single submitter. Criteria: Invitae Variant Classification Sherloc (09022015). Collection method: clinical testing. Allele origin: germline.
Comment: This sequence change affects a donor splice site in intron 9 of the SYN1 gene. It is expected to disrupt RNA splicing. Variants that disrupt the donor or acceptor splice site typically lead to a loss of protein function (PMID: 16199547), and loss-of-function variants in SYN1 are known to be pathogenic (PMID: 14985377, 21441247). This variant is not present in population databases (gnomAD no frequency). This variant has not been reported in the literature in individuals affected with SYN1-related conditions. Algorithms developed to predict the effect of sequence changes on RNA splicing suggest that this variant may disrupt the consensus splice site. In summary, the currently available evidence indicates that the variant is pathogenic, but additional data are needed to prove that conclusively. Therefore, this variant has been classified as Likely Pathogenic.

Literature cited by the submitters: PubMed 16199547; PubMed 14985377; PubMed 21441247.

NM_006950.3(SYN1):c.1158+1G>T

Gene: SYN1 (synapsin I; minus strand). Cytogenetic location: Xp11.3.
Variant type: single nucleotide variant.
Coding change: c.1158+1G>T on transcript NM_006950.3 (MANE Select); the canonical splice donor site of the intron after coding-DNA position 1158, G replaced by T.
Molecular consequence: splice donor variant.
Genome position (GRCh38, 1-based): chrX:47,576,130, C>A on the plus strand (G>T on the coding strand, the complement: SYN1 is on the minus strand). VCF-style: chrX-47576130-C-A. GRCh37 (hg19) VCF-style: chrX-47435529-C-A.
Other names: c.1158+1G>T (NM_133499.2).
Identifiers: ClinVar variation 2816515 (VCV002816515.3), dbSNP rs2519686550, ClinGen allele CA412826074.
Genomic context (GRCh38, chrX:47,576,130, plus strand): 5'-GCACTGCTGCTGCCTGGCATCTGTTCCTCCCTCTACCCCACCTACCCCTGGGTGCTCATA[C>A]CTCAATGATGTGATCCCTTCCGTCCTTGCCATGTAGCGCTTCCACTGCGCAGATGTCCAG-3'